The following is an entry in ClinVar:

ClinVar aggregate classification (germline): Benign. Review status: criteria provided, single submitter (1 of 4 stars). 2 submissions from 2 submitters: Benign (1). 1 of the submissions does not count toward it. Last evaluated 2018-12-04.

Conditions:
NAPB-related disorder. Also called: NAPB-related condition.

Allele frequency attached by ClinVar (database versions not stated): 1000 Genomes Project 0.00938; ESP Exome Variant Server 0.00015; gnomAD exomes 0.00167 and 0.00439; TOPMed 0.00249; gnomAD 0.00200 and 0.00153; ExAC 0.00753; 1000 Genomes Project 30x 0.00874.
gnomAD v4.1: 2,664 of 1,565,400 alleles (0.17%); highest among the groups gnomAD compares: East Asian, 5%; 56 homozygotes.

Submissions (3):

Labcorp Genetics (formerly Invitae), Labcorp
Classification: Benign. Last evaluated: 2018-12-04. Review status: criteria provided, single submitter. Criteria: Invitae Variant Classification Sherloc (09022015). Collection method: clinical testing. Allele origin: germline.

PreventionGenetics, part of Exact Sciences
Classification: Benign for NAPB-related condition. Last evaluated: 2019-09-30. Review status: no assertion criteria provided. Collection method: clinical testing. Allele origin: germline. Not counted in ClinVar's aggregate classification.
Comment: This variant is classified as benign based on ACMG/AMP sequence variant interpretation guidelines (Richards et al. 2015 PMID: 25741868, with internal and published modifications).

Dr. Peter K. Rogan Lab, Western University
No classification provided (evidence only). Condition: Malignant tumor of urinary bladder. Review status: no classification provided. Collection method: in vitro. Allele origin: not applicable. Functional consequence: retained intron. Not counted in ClinVar's aggregate classification.

NM_022080.3(NAPB):c.65A>G (p.Lys22Arg)

Genes: NAPB (NSF attachment protein beta; minus strand), LOC130065540 (ATAC-STARR-seq lymphoblastoid silent region 12730; plus strand). Cytogenetic location: 20p11.21.
Variant type: single nucleotide variant.
Coding change: c.65A>G on transcript NM_022080.3 (MANE Select); coding-DNA position 65, A replaced by G.
Protein change: p.Lys22Arg; replaces lysine 22 with arginine.
Molecular consequence: missense variant. On other transcripts: 5 prime UTR variant (1), non-coding transcript variant (1).
Genome position (GRCh38, 1-based): chr20:23,421,338, T>C on the plus strand (A>G on the coding strand, the complement: NAPB is on the minus strand). VCF-style: chr20-23421338-T-C. GRCh37 (hg19) VCF-style: chr20-23401975-T-C.
Other names: NC_000020.10:g.23401975T>C; c.65A>G, p.Lys22Arg (NM_001283018.2, NM_001283020.2); c.-171A>G (NM_001283026.2); short protein forms K22R.
Identifiers: ClinVar variation 709378 (VCV000709378.6), dbSNP rs140977227, ClinGen allele CA9789170.